The following is an entry in ClinVar:

ClinVar aggregate classification (germline): Uncertain significance. Review status: criteria provided, multiple submitters, no conflicts (2 of 4 stars). 2 submissions from 2 submitters: Uncertain significance (2). Last evaluated 2024-12-13.

Conditions:
Fanconi anemia (FA). Also called: Fanconi's anemia. Identifiers: Orphanet 84, MedGen C0015625, MeSH D005199, MONDO:0019391.
Inborn genetic diseases. Identifiers: MedGen C0950123, MeSH D030342.

Allele frequency attached by ClinVar (database versions not stated): TOPMed below 0.00001; gnomAD 0.00001.
gnomAD v4.1: 4 of 1,614,068 alleles (0.00025%); highest among the groups gnomAD compares: Admixed American, 0.0017%; no homozygotes.

Submissions (2):

Ambry Genetics
Classification: Uncertain significance for Inborn genetic diseases. Last evaluated: 2024-12-13. Review status: criteria provided, single submitter. Criteria: Ambry Variant Classification Scheme 2023. Collection method: clinical testing. Allele origin: germline.
Comment: The p.A1290V variant (also known as c.3869C>T), located in coding exon 39 of the FANCA gene, results from a C to T substitution at nucleotide position 3869. The alanine at codon 1290 is replaced by valine, an amino acid with similar properties. This amino acid position is conserved. In addition, this alteration is predicted to be tolerated by in silico analysis. Based on the available evidence, the clinical significance of this variant remains unclear.

Labcorp Genetics (formerly Invitae), Labcorp
Classification: Uncertain significance for Fanconi anemia. Last evaluated: 2023-12-10. Review status: criteria provided, single submitter. Criteria: Invitae Variant Classification Sherloc (09022015). Collection method: clinical testing. Allele origin: germline.
Comment: This sequence change replaces alanine, which is neutral and non-polar, with valine, which is neutral and non-polar, at codon 1290 of the FANCA protein (p.Ala1290Val). This variant is not present in population databases (gnomAD no frequency). This variant has not been reported in the literature in individuals affected with FANCA-related conditions. Advanced modeling of protein sequence and biophysical properties (such as structural, functional, and spatial information, amino acid conservation, physicochemical variation, residue mobility, and thermodynamic stability) performed at Invitae indicates that this missense variant is not expected to disrupt FANCA protein function with a negative predictive value of 80%. In summary, the available evidence is currently insufficient to determine the role of this variant in disease. Therefore, it has been classified as a Variant of Uncertain Significance.

NM_000135.4(FANCA):c.3869C>T (p.Ala1290Val)

Genes: FANCA (FA complementation group A; minus strand), ZNF276 (zinc finger protein 276; plus strand). Cytogenetic location: 16q24.3.
Variant type: single nucleotide variant.
Coding change: c.3869C>T on transcript NM_000135.4 (MANE Select); coding-DNA position 3869, C replaced by T.
Protein change: p.Ala1290Val; replaces alanine 1290 with valine.
Molecular consequence: missense variant. On other transcripts: 3 prime UTR variant (2), non-coding transcript variant (4).
Genome position (GRCh38, 1-based): chr16:89,740,059, G>A on the plus strand (C>T on the coding strand, the complement: FANCA is on the minus strand). VCF-style: chr16-89740059-G-A. GRCh37 (hg19) VCF-style: chr16-89806467-G-A.
Other names: c.3869C>T, p.Ala1290Val (NM_001286167.3); c.*1813G>A (NM_001113525.2, NM_152287.4); short protein forms A1290V.
Identifiers: ClinVar variation 2724868 (VCV002724868.4), dbSNP rs1269006545, ClinGen allele CA397485033.